The following is an entry in ClinVar:

NM_004606.5(TAF1):c.4748A>G (p.Tyr1583Cys)

Gene: TAF1 (TATA-box binding protein associated factor 1; plus strand). Cytogenetic location: Xq13.1.
Variant type: single nucleotide variant.
Coding change: c.4748A>G on transcript NM_004606.5 (MANE Select); coding-DNA position 4748, A replaced by G.
Protein change: p.Tyr1583Cys; replaces tyrosine 1583 with cysteine.
Molecular consequence: missense variant. On other transcripts: non-coding transcript variant (9).
Genome position (GRCh38, 1-based): chrX:71,424,233, A>G. VCF-style: chrX-71424233-A-G. GRCh37 (hg19) VCF-style: chrX-70644083-A-G.
Other names: c.4748A>G, p.Tyr1583Cys (NM_001286074.2); c.4685A>G, p.Tyr1562Cys (NM_138923.4); short protein forms Y1562C, Y1583C.
Identifiers: ClinVar variation 1301994 (VCV001301994.3), dbSNP rs2148612232, ClinGen allele CA413543450.

ClinVar aggregate classification (germline): Likely pathogenic (0 of 4 stars; one submission).

Conditions:
Intellectual developmental disorder, X-linked, syndromic 33. Also called: X-linked intellectual disability-global development delay-facial dysmorphism-sacral caudal remnant syndrome; Intellectual disability, X-linked, syndromic 33. Identifiers: Orphanet 480907, MedGen C4225418, MONDO:0010500, OMIM 300966.

Submission:

Department of Genetics, Rouen University Hospital, Normandy Center for Genomic and Personalized Medicine
Classification: Likely pathogenic for Intellectual developmental disorder, X-linked, syndromic 33. Review status: no assertion criteria provided. Collection method: clinical testing. Allele origin: de novo. Inheritance: X-linked inheritance. Affected: yes. Observed: 1 hemizygote.
Comment: This variant is absent from the gnomAD database and predicted to be deleterious by 16/18 bioinformatics software as assessed on the Varsome website in June 2021. Many TAF1 missense variants have been reported to cause an X-linked neurodevelopmental disease (OMIM#300966) (O’Rawe et al. 2015; Hurst et al. 2018; Cheng et al. 2020). More than 30 families, including both male and female patients, have been described. A population-scale study ranked TAF1 53rd among the top 1,003 constrained human genes (Samocha et al. 2014) with a calculated probability of loss-of-function intolerance (pLI) of 1.0 (genes with pLI ≥ 0.9 are considered extremely loss of function intolerant) and TAF1 has recently been reported as a neurodevelopmental gene enriched in de novo variations (Martin et al. 2021). This highly conserved gene plays a major role in the establishment of protein complexes associated with RNA Pol 2 transcription. Missense variants, distributed all along the gene, have been exclusively identified in this disease, suggesting a loss-of-function mechanism for these missense variants. Based on standards and guidelines by the ACMG-AMP, the variant was classified as likely pathogenic (class 4).